The following is an entry in ClinVar:

ClinVar aggregate classification (germline): Uncertain significance (1 of 4 stars; one submission).

Conditions:
Cutis laxa, autosomal dominant 3 (ADCL3). Identifiers: Orphanet 90348, MedGen C4225268, MONDO:0014706, OMIM 616603.
de Barsy syndrome. Also called: Cutis laxa-corneal clouding-oligophrenia syndrome. Identifiers: Orphanet 2962, MedGen C0268354, MONDO:0017569.
Autosomal dominant spastic paraplegia type 9. Identifiers: MedGen C1832669, MONDO:0015091.

Submission:

Labcorp Genetics (formerly Invitae), Labcorp
Classification: Uncertain significance for Autosomal dominant spastic paraplegia type 9; de Barsy syndrome; Cutis laxa, autosomal dominant 3. Last evaluated: 2023-02-13. Review status: criteria provided, single submitter. Criteria: Invitae Variant Classification Sherloc (09022015). Collection method: clinical testing. Allele origin: germline.
Comment: ClinVar contains an entry for this variant (Variation ID: 1719319). This sequence change replaces isoleucine, which is neutral and non-polar, with asparagine, which is neutral and polar, at codon 555 of the ALDH18A1 protein (p.Ile555Asn). This variant is not present in population databases (gnomAD no frequency). This variant has not been reported in the literature in individuals affected with ALDH18A1-related conditions. Algorithms developed to predict the effect of missense changes on protein structure and function (SIFT, PolyPhen-2, Align-GVGD) all suggest that this variant is likely to be disruptive. In summary, the available evidence is currently insufficient to determine the role of this variant in disease. Therefore, it has been classified as a Variant of Uncertain Significance.

NM_002860.4(ALDH18A1):c.1664T>A (p.Ile555Asn)

Gene: ALDH18A1 (aldehyde dehydrogenase 18 family member A1; minus strand). Cytogenetic location: 10q24.1.
Variant type: single nucleotide variant.
Coding change: c.1664T>A on transcript NM_002860.4 (MANE Select); coding-DNA position 1664, T replaced by A.
Protein change: p.Ile555Asn; replaces isoleucine 555 with asparagine.
Molecular consequence: missense variant.
Genome position (GRCh38, 1-based): chr10:95,614,103, A>T on the plus strand (T>A on the coding strand, the complement: ALDH18A1 is on the minus strand). VCF-style: chr10-95614103-A-T. GRCh37 (hg19) VCF-style: chr10-97373860-A-T.
Other names: c.1658T>A, p.Ile553Asn (NM_001017423.2, NM_001323415.2); c.1331T>A, p.Ile444Asn (NM_001323412.2, NM_001323416.2); c.1664T>A, p.Ile555Asn (NM_001323413.2, NM_001323414.2); c.1559T>A, p.Ile520Asn (NM_001323417.2); c.1325T>A, p.Ile442Asn (NM_001323418.2); c.1028T>A, p.Ile343Asn (NM_001323419.2); short protein forms I343N, I442N, I444N, I520N, I553N, I555N.
Identifiers: ClinVar variation 1719319 (VCV001719319.6), dbSNP rs2526730023, ClinGen allele CA377700785.
Genomic context (GRCh38, chr10:95,614,103, plus strand): 5'-GGAATCCCCTTAGCAGCTTTCTGGATGTCTCTGACCAGCTGGGAAGAGCCACGTGGAATG[A>T]TCAGATCTATCATTTTGTCTAGGCGGCAAAGATCTTCAACTTCTTCTCTGGTATTCACCT-3'
Protein context (NP_002851.2, residues 545-565): LCRLDKMIDL[Ile555Asn]IPRGSSQLVR